The following is an entry in ClinVar:

ClinVar aggregate classification (germline): Likely benign. Review status: criteria provided, multiple submitters, no conflicts (2 of 4 stars). 6 submissions from 6 submitters: Likely benign (5). 1 of the submissions does not count toward it. Last evaluated 2025-11-13.

Conditions:
NPRL3-related disorder. Also called: NPRL3-related condition.
Epilepsy, familial focal, with variable foci 3 (FFEVF3). Identifiers: MedGen C4310708, MONDO:0014925, OMIM 617118.

Allele frequency attached by ClinVar (database versions not stated): ESP Exome Variant Server 0.00008; gnomAD 0.00014 and 0.00016; TOPMed 0.00015; gnomAD exomes 0.00022 and 0.00025; ExAC 0.00041.
gnomAD v4.1: 345 of 1,559,322 alleles (0.022%); highest among the groups gnomAD compares: Middle Eastern, 0.084%; 1 homozygote.

Submissions (6):

Labcorp Genetics (formerly Invitae), Labcorp
Classification: Likely benign for Epilepsy, familial focal, with variable foci 3. Last evaluated: 2025-11-13. Review status: criteria provided, single submitter. Criteria: Invitae Variant Classification Sherloc (09022015). Collection method: clinical testing. Allele origin: germline.

CeGaT Center for Human Genetics Tuebingen
Classification: Likely benign. Last evaluated: 2024-11-01. Review status: criteria provided, single submitter. Criteria: CeGaT Center For Human Genetics Tuebingen Variant Classification Criteria Version 2. Collection method: clinical testing. Allele origin: germline. Affected: yes. Observed: 4 variant alleles.
Comment: NPRL3: BS1

Blueprint Genetics
Classification: Likely benign. Last evaluated: 2024-09-23. Review status: criteria provided, single submitter. Criteria: ACMG Guidelines, 2015. Collection method: clinical testing. Allele origin: germline.

GeneDx
Classification: Likely benign. Last evaluated: 2021-06-02. Review status: criteria provided, single submitter. Criteria: GeneDx Variant Classification Process June 2021. Collection method: clinical testing. Allele origin: germline. Affected: yes.

Breakthrough Genomics
Classification: Likely benign. Review status: criteria provided, single submitter. Criteria: ACMG Guidelines, 2015. Collection method: not provided. Allele origin: germline. Inheritance: Autosomal dominant inheritance. Affected: yes.

PreventionGenetics, part of Exact Sciences
Classification: Likely benign for NPRL3-related condition. Last evaluated: 2019-08-13. Review status: no assertion criteria provided. Collection method: clinical testing. Allele origin: germline. Not counted in ClinVar's aggregate classification.
Comment: This variant is classified as likely benign based on ACMG/AMP sequence variant interpretation guidelines (Richards et al. 2015 PMID: 25741868, with internal and published modifications).

NM_001077350.3(NPRL3):c.1197G>A (p.Gln399=)

Genes: HBA-LCR (alpha-globin locus control region; plus strand), NPRL3 (NPR3 like, GATOR1 complex subunit; minus strand). Cytogenetic location: 16p13.3.
Variant type: single nucleotide variant.
Coding change: c.1197G>A on transcript NM_001077350.3 (MANE Select); coding-DNA position 1197, G replaced by A.
Protein change: p.Gln399=; no amino-acid change (glutamine 399 retained).
Molecular consequence: synonymous variant.
Genome position (GRCh38, 1-based): chr16:89,867, C>T on the plus strand (G>A on the coding strand, the complement: NPRL3 is on the minus strand). VCF-style: chr16-89867-C-T. GRCh37 (hg19) VCF-style: chr16-139865-C-T.
Other names: c.660G>A, p.Gln220= (NM_001039476.3); c.963G>A, p.Gln321= (NM_001243247.2); c.1122G>A, p.Gln374= (NM_001243248.2, NM_001243249.2).
Identifiers: ClinVar variation 542811 (VCV000542811.52), dbSNP rs369473961, ClinGen allele CA7769416.